The following is an entry in ClinVar:

ClinVar aggregate classification (germline): Likely benign. Review status: criteria provided, multiple submitters, no conflicts (2 of 4 stars). 3 submissions from 3 submitters: Likely benign (3). Last evaluated 2026-04-15.

Conditions:
Kleefstra syndrome 1 (KLEFS1). Identifiers: Orphanet 261494, MedGen C0795833, MONDO:0027407, OMIM 610253.
Inborn genetic diseases. Identifiers: MedGen C0950123, MeSH D030342.
EHMT1-related disorder. Also called: EHMT1-related condition.

Allele frequency attached by ClinVar (database versions not stated): ExAC 0.00003; gnomAD 0.00003; TOPMed 0.00005; ESP Exome Variant Server 0.00008; 1000 Genomes Project 30x 0.00016; 1000 Genomes Project 0.00020; gnomAD exomes 0.00002.
gnomAD v4.1: 28 of 1,613,800 alleles (0.0017%); highest among the groups gnomAD compares: African/African-American, 0.0067%; no homozygotes.

Submissions (3):

PreventionGenetics, part of Exact Sciences
Classification: Likely benign for EHMT1-related condition. Last evaluated: 2026-04-15. Review status: criteria provided, single submitter. Criteria: ACMG Guidelines, 2015. Collection method: clinical testing. Allele origin: germline.
Comment: This variant is classified as likely benign based on ACMG/AMP sequence variant interpretation guidelines (Richards et al. 2015 PMID: 25741868, with internal and published modifications).

Labcorp Genetics (formerly Invitae), Labcorp
Classification: Likely benign for Kleefstra syndrome 1. Last evaluated: 2026-01-26. Review status: criteria provided, single submitter. Criteria: Invitae Variant Classification Sherloc (09022015). Collection method: clinical testing. Allele origin: germline.

Ambry Genetics
Classification: Likely benign for Inborn genetic diseases. Last evaluated: 2018-07-10. Review status: criteria provided, single submitter. Criteria: Ambry Variant Classification Scheme 2023. Collection method: clinical testing. Allele origin: germline.

NM_024757.5(EHMT1):c.2181C>T (p.Leu727=)

Gene: EHMT1 (euchromatic histone lysine methyltransferase 1; plus strand). Cytogenetic location: 9q34.3.
Variant type: single nucleotide variant.
Coding change: c.2181C>T on transcript NM_024757.5 (MANE Select); coding-DNA position 2181, C replaced by T.
Protein change: p.Leu727=; no amino-acid change (leucine 727 retained).
Molecular consequence: synonymous variant.
Genome position (GRCh38, 1-based): chr9:137,778,044, C>T. VCF-style: chr9-137778044-C-T. GRCh37 (hg19) VCF-style: chr9-140672496-C-T.
Other names: c.2181C>T, p.Leu727= (NM_001145527.2); c.2088C>T, p.Leu696= (NM_001354259.2); c.2160C>T, p.Leu720= (NM_001354263.2).
Identifiers: ClinVar variation 531870 (VCV000531870.12), dbSNP rs377163037, ClinGen allele CA5374834.